The following is an entry in ClinVar:

NM_032620.4(GTPBP3):c.808+5_808+17del

Gene: GTPBP3 (GTP binding protein 3, mitochondrial; plus strand). Cytogenetic location: 19p13.11.
Variant type: Deletion.
Coding change: c.808+5_808+17del on transcript NM_032620.4 (MANE Select); bases 5 to 17 of the intron after coding-DNA position 808, 13 bases deleted (GTAGGCGGCGGGA).
Molecular consequence: intron variant.
Genome position (GRCh38, 1-based): chr19:17,339,271-17,339,283, GTAGGCGGCGGGA deleted; deleting any 13 consecutive bases within chr19:17,339,269-17,339,283 gives the same sequence; the c. name uses the placement nearest the transcript's 3' end. VCF-style (leftmost placement, unchanged base first): chr19-17339268-TGAGTAGGCGGCGG-T. GRCh37 (hg19) VCF-style: chr19-17450077-TGAGTAGGCGGCGG-T.
Other names: c.874+5_874+17del (NM_001195422.1); c.904+5_904+17del (NM_133644.4); c.808+5_808+17del (NM_001128855.3).
Identifiers: ClinVar variation 1440612 (VCV001440612.3), dbSNP rs1425068114, ClinGen allele CA783815119.

ClinVar aggregate classification (germline): Uncertain significance (1 of 4 stars; one submission).

Submission:

Labcorp Genetics (formerly Invitae), Labcorp
Classification: Uncertain significance. Last evaluated: 2021-06-20. Review status: criteria provided, single submitter. Criteria: Invitae Variant Classification Sherloc (09022015). Collection method: clinical testing. Allele origin: germline.
Comment: This sequence change falls in intron 5 of the GTPBP3 gene. It does not directly change the encoded amino acid sequence of the GTPBP3 protein. It affects a nucleotide within the consensus splice site of the intron. This variant is not present in population databases (ExAC no frequency). This variant has not been reported in the literature in individuals with GTPBP3-related conditions. Nucleotide substitutions within the consensus splice site are a relatively common cause of aberrant splicing (PMID: 17576681, 9536098). Algorithms developed to predict the effect of sequence changes on RNA splicing suggest that this variant may disrupt the consensus splice site, but this prediction has not been confirmed by published transcriptional studies. In summary, the available evidence is currently insufficient to determine the role of this variant in disease. Therefore, it has been classified as a Variant of Uncertain Significance.

Literature cited by the submitters: PubMed 17576681; PubMed 9536098.